The following is an entry in ClinVar:

NM_001375524.1(TRRAP):c.1052T>C (p.Met351Thr)

Gene: TRRAP (transformation/transcription domain associated protein; plus strand). Cytogenetic location: 7q22.1.
Variant type: single nucleotide variant.
Coding change: c.1052T>C on transcript NM_001375524.1 (MANE Select); coding-DNA position 1052, T replaced by C.
Protein change: p.Met351Thr; replaces methionine 351 with threonine.
Molecular consequence: missense variant.
Genome position (GRCh38, 1-based): chr7:98,906,192, T>C. VCF-style: chr7-98906192-T-C. GRCh37 (hg19) VCF-style: chr7-98503815-T-C.
Other names: c.1052T>C, p.Met351Thr (NM_001244580.2, NM_003496.4); short protein forms M351T.
Identifiers: ClinVar variation 4741101 (VCV004741101.1).

ClinVar aggregate classification (germline): Uncertain significance (1 of 4 stars; one submission).

Submission:

Labcorp Genetics (formerly Invitae), Labcorp
Classification: Uncertain significance. Last evaluated: 2025-02-25. Review status: criteria provided, single submitter. Criteria: Invitae Variant Classification Sherloc (09022015). Collection method: clinical testing. Allele origin: germline.
Comment: This sequence change replaces methionine, which is neutral and non-polar, with threonine, which is neutral and polar, at codon 351 of the TRRAP protein (p.Met351Thr). This variant is not present in population databases (gnomAD no frequency). This variant has not been reported in the literature in individuals affected with TRRAP-related conditions. Invitae Evidence Modeling of protein sequence and biophysical properties (such as structural, functional, and spatial information, amino acid conservation, physicochemical variation, residue mobility, and thermodynamic stability) indicates that this missense variant is not expected to disrupt TRRAP protein function with a negative predictive value of 80%. In summary, the available evidence is currently insufficient to determine the role of this variant in disease. Therefore, it has been classified as a Variant of Uncertain Significance.